The following is an entry in ClinVar:

NM_153240.5(NPHP3):c.1457A>G (p.Asp486Gly)

Genes: NPHP3 (nephrocystin 3; minus strand), NPHP3-ACAD11 (NPHP3-ACAD11 readthrough (NMD candidate); minus strand). Cytogenetic location: 3q22.1.
Variant type: single nucleotide variant.
Coding change: c.1457A>G on transcript NM_153240.5 (MANE Select); coding-DNA position 1457, A replaced by G.
Protein change: p.Asp486Gly; replaces aspartic acid 486 with glycine.
Molecular consequence: missense variant. On other transcripts: non-coding transcript variant (1).
Genome position (GRCh38, 1-based): chr3:132,704,265, T>C on the plus strand (A>G on the coding strand, the complement: NPHP3 is on the minus strand). VCF-style: chr3-132704265-T-C. GRCh37 (hg19) VCF-style: chr3-132423109-T-C.
Other names: short protein forms D486G.
Identifiers: ClinVar variation 462724 (VCV000462724.8), dbSNP rs1553773832, ClinGen allele CA354584534.

ClinVar aggregate classification (germline): Uncertain significance (1 of 4 stars; one submission).

Conditions:
Nephronophthisis. Also called: Juvenile Nephronophthisis. Identifiers: Orphanet 655, MedGen C0687120, MONDO:0019005, HP:0000090.

Submission:

Labcorp Genetics (formerly Invitae), Labcorp
Classification: Uncertain significance for Nephronophthisis. Last evaluated: 2017-04-29. Review status: criteria provided, single submitter. Criteria: Invitae Variant Classification Sherloc (09022015). Collection method: clinical testing. Allele origin: germline.
Comment: In summary, this variant is a novel missense change with uncertain impact on protein function. It has been classified as a Variant of Uncertain Significance. Algorithms developed to predict the effect of sequence changes on RNA splicing suggest that this variant may alter RNA splicing, but this prediction has not been confirmed by published transcriptional studies. Algorithms developed to predict the effect of missense changes on protein structure and function do not agree on the potential impact of this missense change (SIFT: "Deleterious"; PolyPhen-2: "Benign"; Align-GVGD: "Class C0"). This variant is not present in population databases (ExAC no frequency) and has not been reported in the literature in individuals with an NPHP3-related disease. This sequence change replaces aspartic acid with glycine at codon 486 of the NPHP3 protein (p.Asp486Gly). The aspartic acid residue is highly conserved and there is a moderate physicochemical difference between aspartic acid and glycine.